The following is an entry in ClinVar:

ClinVar aggregate classification (germline): Uncertain significance (1 of 4 stars; one submission).

Submission:

Labcorp Genetics (formerly Invitae), Labcorp
Classification: Uncertain significance. Last evaluated: 2022-09-21. Review status: criteria provided, single submitter. Criteria: Invitae Variant Classification Sherloc (09022015). Collection method: clinical testing. Allele origin: germline.
Comment: This sequence change replaces alanine, which is neutral and non-polar, with glutamic acid, which is acidic and polar, at codon 1703 of the MYO7A protein (p.Ala1703Glu). This variant is not present in population databases (gnomAD no frequency). This variant has not been reported in the literature in individuals affected with MYO7A-related conditions. Advanced modeling of protein sequence and biophysical properties (such as structural, functional, and spatial information, amino acid conservation, physicochemical variation, residue mobility, and thermodynamic stability) performed at Invitae indicates that this missense variant is not expected to disrupt MYO7A protein function. In summary, the available evidence is currently insufficient to determine the role of this variant in disease. Therefore, it has been classified as a Variant of Uncertain Significance.

NM_000260.4(MYO7A):c.5108C>A (p.Ala1703Glu)

Gene: MYO7A (myosin VIIA; plus strand). Cytogenetic location: 11q13.5.
Variant type: single nucleotide variant.
Coding change: c.5108C>A on transcript NM_000260.4 (MANE Select); coding-DNA position 5108, C replaced by A.
Protein change: p.Ala1703Glu; replaces alanine 1703 with glutamic acid.
Molecular consequence: missense variant.
Genome position (GRCh38, 1-based): chr11:77,202,364, C>A. VCF-style: chr11-77202364-C-A. GRCh37 (hg19) VCF-style: chr11-76913409-C-A.
Other names: c.4994C>A, p.Ala1665Glu (NM_001127180.2); c.4961C>A, p.Ala1654Glu (NM_001369365.1); short protein forms A1703E, A1665E, A1654E.
Identifiers: ClinVar variation 2067906 (VCV002067906.1), dbSNP rs199561332, ClinGen allele CA381951692.
Genomic context (GRCh38, chr11:77,202,364, plus strand): 5'-TGGTCACCATGACTCCCGATCAGAGGCAGGACGTTGTCCGGCTCTTGCAGCTGCGAACGG[C>A]GGAGCCCGAGGTGCGTGCCAAGCCCTACACGCTGGAGGAGTTTTCCTATGACTACTTCAG-3'
Protein context (NP_000251.3, residues 1693-1713): DVVRLLQLRT[Ala1703Glu]EPEVRAKPYT